The following is an entry in ClinVar:

ClinVar aggregate classification (germline): Conflicting classifications of pathogenicity. Review status: criteria provided, conflicting classifications (1 of 4 stars). 4 submissions from 4 submitters: Likely pathogenic (1); Uncertain significance (2). 1 of the submissions does not count toward it. Last evaluated 2025-12-03.

Conditions:
BCS1L-related disorder. Also called: BCS1L-related disorders; BCS1L-related condition. Identifiers: MedGen CN239240.
GRACILE syndrome (FLNMS). Also called: FELLMAN SYNDROME; FINNISH LETHAL NEONATAL METABOLIC SYNDROME. Identifiers: Orphanet 53693, MedGen C1864002, MONDO:0011308, OMIM 603358.

Allele frequency attached by ClinVar (database versions not stated): gnomAD exomes below 0.00001; ExAC 0.00001; gnomAD 0.00001; TOPMed 0.00002.
gnomAD v4.1: 9 of 1,614,100 alleles (0.00056%); highest among the groups gnomAD compares: South Asian, 0.0022%; no homozygotes.

Submissions (4):

Natera, Inc.
Classification: Likely pathogenic for GRACILE syndrome. Last evaluated: 2025-12-03. Review status: criteria provided, single submitter. Criteria: Natera Variant Classification Schema (03/2026). Collection method: clinical testing. Allele origin: germline.
Comment: The c.431G>A variant in BCS1L is a missense variant predicted to cause substitution of arginine to glutamine at amino acid 144. This variant is rare in the general population with a frequency below the threshold expected for the associated phenotype(s). This variant has been observed in one or more individuals affected with the associated recessive disease, as either homozygous or compound heterozygous with a second variant (PMID: 12215968, 39992606). Given the available evidence, this variant is classified as Likely Pathogenic.

Myriad Genetics, Inc.
Classification: Uncertain significance for BCS1L-related disorder. Last evaluated: 2025-09-17. Review status: criteria provided, single submitter. Criteria: Myriad Autosomal Dominant, Autosomal Recessive and X-Linked Classification Criteria (2023). Collection method: clinical testing. Allele origin: unknown.
Comment: NM_004328.4(BCS1L):c.431G>A(R144Q) is a missense variant classified as a variant of uncertain significance in the context of BCS1L-related disorders. R144Q has been observed in cases with relevant disease (PMID: 12215968, 39992606). Relevant functional assessments of this variant are not available in the literature. R144Q has been observed in referenced population frequency databases. In summary, there is insufficient evidence to classify NM_004328.4(BCS1L):c.431G>A(R144Q) as pathogenic or benign. Please note: this variant was assessed in the context of healthy population screening.

Blueprint Genetics
Classification: Uncertain significance. Last evaluated: 2024-02-23. Review status: criteria provided, single submitter. Criteria: ACMG Guidelines, 2015. Collection method: clinical testing. Allele origin: germline.

Juha Muilu Group; Institute for Molecular Medicine Finland (FIMM)
Classification: Likely pathogenic for GRACILE syndrome. Review status: no assertion criteria provided. Collection method: not provided. Allele origin: unknown. Not counted in ClinVar's aggregate classification.
Comment: FinDis database variant: This variant was not found or characterized by our laboratory, data were collected from public sources: see reference
ClinVar note: Converted during submission from probable-pathogenic to Likely pathogenic.

Literature cited by the submitters: PubMed 12215968 (cited by Natera, Inc. and Myriad Genetics, Inc.); PubMed 39992606 (cited by Natera, Inc. and Myriad Genetics, Inc.).

NM_001079866.2(BCS1L):c.431G>A (p.Arg144Gln)

Gene: BCS1L (BCS1 ubiquinol-cytochrome c reductase complex chaperone; plus strand). Cytogenetic location: 2q35.
Variant type: single nucleotide variant.
Coding change: c.431G>A on transcript NM_001079866.2 (MANE Select); coding-DNA position 431, G replaced by A.
Protein change: p.Arg144Gln; replaces arginine 144 with glutamine.
Molecular consequence: missense variant. On other transcripts: 5 prime UTR variant (5), non-coding transcript variant (1), intron variant (1).
Genome position (GRCh38, 1-based): chr2:218,661,516, G>A. VCF-style: chr2-218661516-G-A. GRCh37 (hg19) VCF-style: chr2-219526239-G-A.
Other names: c.431G>A, p.Arg144Gln (NM_001257342.2, NM_001257343.2, NM_001257344.2 and 10 more transcripts); c.71G>A, p.Arg24Gln (NM_001318836.2, NM_001371451.1); c.-46G>A (NM_001371453.1, NM_001371454.1, NM_001371455.1 and 2 more transcripts); c.-41-243G>A (NM_001371452.1); short protein forms R144Q, R24Q.
Identifiers: ClinVar variation 56413 (VCV000056413.5), dbSNP rs386833857, ClinGen allele CA144345.
Genomic context (GRCh38, chr2:218,661,516, plus strand): 5'-TAGACTTGCAGACGGGGACTCCTTGGGAATCTGTCACCTTCACGGCCCTGGGCACTGACC[G>A]AAAGGTTTTCTTCAACATCCTGGAGGAAGGTGTGGGATGGCACAGGCAGGCTTTCTAGGG-3'
Protein context (NP_001073335.1, residues 134-154): SVTFTALGTD[Arg144Gln]KVFFNILEEA